The following is an entry in ClinVar:

ClinVar aggregate classification (germline): Conflicting classifications of pathogenicity. Review status: criteria provided, conflicting classifications (1 of 4 stars). 4 submissions from 4 submitters: Uncertain significance (1); Likely benign (3). Last evaluated 2026-06-23.

Conditions:
FGFR3-related chondrodysplasia. Identifiers: Orphanet 93420, MedGen C5681604, MONDO:0019685.

Allele frequency attached by ClinVar (database versions not stated): ExAC 0.00004; gnomAD exomes 0.00004 and 0.00007; TOPMed 0.00005; gnomAD 0.00006 and 0.00007.
gnomAD v4.1: 71 of 1,591,632 alleles (0.0045%); highest among the groups gnomAD compares: Middle Eastern, 0.017%; no homozygotes.

Submissions (4):

Genomenon, Inc
Classification: Uncertain significance for FGFR3-related chondrodysplasia. Last evaluated: 2026-06-23. Review status: criteria provided, single submitter. Criteria: Genomenon Sequence Variant Interpretation Standards - Updated. Collection method: curation. Allele origin: germline. Affected: no.
Comment: FGFR3 p.Arg110Gln (c.329G>A) is a missense variant that changes the amino acid at codon 110 from Arginine to Glutamine. This variant has been reported in the published literature (PMID:36479692). It is absent or not present at a significant frequency in gnomAD. In silico models predict that this variant is not damaging. In conclusion, we classify FGFR3 p.Arg110Gln (c.329G>A) as a variant of uncertain significance.

Labcorp Genetics (formerly Invitae), Labcorp
Classification: Likely benign. Last evaluated: 2025-07-01. Review status: criteria provided, single submitter. Criteria: Invitae Variant Classification Sherloc (09022015). Collection method: clinical testing. Allele origin: germline.

Blueprint Genetics
Classification: Likely benign. Last evaluated: 2024-02-16. Review status: criteria provided, single submitter. Criteria: ACMG Guidelines, 2015. Collection method: clinical testing. Allele origin: germline.

GeneDx
Classification: Likely benign. Last evaluated: 2019-07-30. Review status: criteria provided, single submitter. Criteria: GeneDx Variant Classification Process June 2021. Collection method: clinical testing. Allele origin: germline. Affected: yes.

Literature cited by the submitters: PubMed 36479692 (cited by Genomenon, Inc).

NM_000142.5(FGFR3):c.329G>A (p.Arg110Gln)

Gene: FGFR3 (fibroblast growth factor receptor 3; plus strand). Cytogenetic location: 4p16.3.
Variant type: single nucleotide variant.
Coding change: c.329G>A on transcript NM_000142.5 (MANE Select); coding-DNA position 329, G replaced by A.
Protein change: p.Arg110Gln; replaces arginine 110 with glutamine.
Molecular consequence: missense variant. On other transcripts: non-coding transcript variant (1).
Genome position (GRCh38, 1-based): chr4:1,799,473, G>A. VCF-style: chr4-1799473-G-A. GRCh37 (hg19) VCF-style: chr4-1801200-G-A.
Other names: c.329G>A, p.Arg110Gln (NM_001163213.2, NM_001354809.2, NM_001354810.2 and 1 more transcripts); short protein forms R110Q.
Identifiers: ClinVar variation 1213619 (VCV001213619.13), dbSNP rs556916370, ClinGen allele CA2809768.
Genomic context (GRCh38, chr4:1,799,473, plus strand): 5'-GGCCCCAGCGGCTGCAGGTGCTGAATGCCTCCCACGAGGACTCCGGGGCCTACAGCTGCC[G>A]GCAGCGGCTCACGCAGCGCGTACTGTGCCACTTCAGTGTGCGGGTGACAGGTGAGCTCTG-3'
Protein context (NP_000133.1, residues 100-120): SHEDSGAYSC[Arg110Gln]QRLTQRVLCH